The following is an entry in ClinVar:

ClinVar aggregate classification (germline): Benign. Review status: criteria provided, multiple submitters, no conflicts (2 of 4 stars). 5 submissions from 5 submitters: Benign (3). 2 of the submissions do not count toward it. Last evaluated 2026-02-04.

Conditions:
Neonatal encephalomyopathy-cardiomyopathy-respiratory distress syndrome. Also called: Coenzyme Q10 deficiency, primary, 7. Identifiers: Orphanet 457185, MedGen C5568562, MONDO:0014562, OMIM 616276.

Allele frequency attached by ClinVar (database versions not stated): gnomAD 0.09525 and 0.09508; TOPMed 0.09968; 1000 Genomes Project 30x 0.13210; 1000 Genomes Project 0.13339; ESP Exome Variant Server 0.09250.
gnomAD v4.1: 96,149 of 1,613,770 alleles (6%); highest among the groups gnomAD compares: East Asian, 22%; 4,543 homozygotes.

Submissions (5):

Labcorp Genetics (formerly Invitae), Labcorp
Classification: Benign for Neonatal encephalomyopathy-cardiomyopathy-respiratory distress syndrome. Last evaluated: 2026-02-04. Review status: criteria provided, single submitter. Criteria: Invitae Variant Classification Sherloc (09022015). Collection method: clinical testing. Allele origin: germline.

GeneDx
Classification: Benign. Last evaluated: 2015-12-10. Review status: criteria provided, single submitter. Criteria: GeneDx Variant Classification (06012015). Collection method: clinical testing. Allele origin: germline. Affected: yes.
Comment: This variant is considered likely benign or benign based on one or more of the following criteria: it is a conservative change, it occurs at a poorly conserved position in the protein, it is predicted to be benign by multiple in silico algorithms, and/or has population frequency not consistent with disease.

Breakthrough Genomics
Classification: Benign. Review status: criteria provided, single submitter. Criteria: ACMG Guidelines, 2015. Collection method: not provided. Allele origin: germline. Inheritance: Autosomal recessive inheritance. Affected: yes.

Mayo Clinic Laboratories, Mayo Clinic
Classification: Benign. Last evaluated: 2016-02-15. Review status: no assertion criteria provided. Collection method: clinical testing. Allele origin: unknown. Not counted in ClinVar's aggregate classification.

Genetic Services Laboratory, University of Chicago
Classification: Likely benign for AllHighlyPenetrant. Review status: no assertion criteria provided. Collection method: clinical testing. Allele origin: germline. Inheritance: Autosomal recessive inheritance. Not counted in ClinVar's aggregate classification.
Comment: Likely benign based on allele frequency in 1000 Genomes Project or ESP global frequency and its presence in a patient with a rare or unrelated disease phenotype. NOT Sanger confirmed.

NM_016035.5(COQ4):c.318G>A (p.Ser106=)

Gene: COQ4 (coenzyme Q4; plus strand). Cytogenetic location: 9q34.11.
Variant type: single nucleotide variant.
Coding change: c.318G>A on transcript NM_016035.5 (MANE Select); coding-DNA position 318, G replaced by A.
Protein change: p.Ser106=; no amino-acid change (serine 106 retained).
Molecular consequence: synonymous variant. On other transcripts: missense variant (1).
Genome position (GRCh38, 1-based): chr9:128,325,797, G>A. VCF-style: chr9-128325797-G-A. GRCh37 (hg19) VCF-style: chr9-131088076-G-A.
Other names: c.221G>A, p.Arg74Gln (NM_001305942.2); short protein forms R74Q.
Identifiers: ClinVar variation 128832 (VCV000128832.19), dbSNP rs2270203, ClinGen allele CA152480.